The following is an entry in ClinVar:

ClinVar aggregate classification (germline): Pathogenic/Likely pathogenic. Review status: criteria provided, multiple submitters, no conflicts (2 of 4 stars). 5 submissions from 5 submitters: Pathogenic (2); Likely pathogenic (3). Last evaluated 2026-09-01.

Conditions:
HGD-related disorder. Also called: HGD-related condition.
Alkaptonuria (AKU). Also called: Alcaptonuria; HOMOGENTISIC ACID OXIDASE DEFICIENCY; Homogentisic acidura; Alkaptonuric ochronosis. Identifiers: Orphanet 56, MedGen C0002066, MONDO:0008753, OMIM 203500.

Submissions (5):

PreventionGenetics, part of Exact Sciences
Classification: Likely pathogenic for HGD-related condition. Last evaluated: 2026-09-01. Review status: criteria provided, single submitter. Criteria: ACMG Guidelines, 2015. Collection method: clinical testing. Allele origin: germline.
Comment: The HGD c.532G>T variant is predicted to result in premature protein termination (p.Glu178*). To our knowledge, this variant has not been reported the literature or a large population database, indicating this variant is rare. This variant is classified as pathogenic and likely pathogenic in ClinVar (Variation ID: 1691425). Nonsense variants in HGD are expected to be pathogenic. This variant is interpreted as likely pathogenic.

Labcorp Genetics (formerly Invitae), Labcorp
Classification: Pathogenic for Alkaptonuria. Last evaluated: 2024-11-03. Review status: criteria provided, single submitter. Criteria: Invitae Variant Classification Sherloc (09022015). Collection method: clinical testing. Allele origin: germline.
Comment: This sequence change creates a premature translational stop signal (p.Glu178*) in the HGD gene. It is expected to result in an absent or disrupted protein product. Loss-of-function variants in HGD are known to be pathogenic (PMID: 12501223, 19862842). This variant is not present in population databases (gnomAD no frequency). This variant has not been reported in the literature in individuals affected with HGD-related conditions. ClinVar contains an entry for this variant (Variation ID: 1691425). For these reasons, this variant has been classified as Pathogenic.

Genomic Medicine Center of Excellence, King Faisal Specialist Hospital and Research Centre
Classification: Pathogenic for Alkaptonuria. Last evaluated: 2024-03-29. Review status: criteria provided, single submitter. Criteria: ACMG Guidelines, 2015. Collection method: clinical testing. Allele origin: germline.

Laboratory for Molecular Medicine, Mass General Brigham Personalized Medicine
Classification: Likely pathogenic for Alkaptonuria. Last evaluated: 2022-06-30. Review status: criteria provided, single submitter. Criteria: ACMG Guidelines, 2015. Collection method: clinical testing. Allele origin: germline.
Comment: The p.Glu178X in HGD has not been previously reported in individuals with alkaptonuria and was absent from large population studies. This nonsense variant leads to a premature termination codon at position 178, which is predicted to lead to a truncated or absent protein. Loss of function of the HGD gene is an established disease mechanism in autosomal recessive alkaptonuria. In summary, although additional studies are required to fully establish its clinical significance, this variant meets criteria to be classified as likely pathogenic for autosomal recessive alkaptonuria. ACMG/AMP criteria applied: PVS1, PM2_Supporting.

Mayo Clinic Laboratories, Mayo Clinic
Classification: Likely pathogenic. Last evaluated: 2021-09-02. Review status: criteria provided, single submitter. Criteria: ACMG Guidelines, 2015. Collection method: clinical testing. Allele origin: germline.
Comment: PM2, PVS1

Literature cited by the submitters: PubMed 12501223 (cited by Labcorp Genetics (formerly Invitae), Labcorp); PubMed 19862842 (cited by Labcorp Genetics (formerly Invitae), Labcorp).

NM_000187.4(HGD):c.532G>T (p.Glu178Ter)

Gene: HGD (homogentisate 1,2-dioxygenase; minus strand). Cytogenetic location: 3q13.33.
Variant type: single nucleotide variant.
Coding change: c.532G>T on transcript NM_000187.4 (MANE Select); coding-DNA position 532, G replaced by T.
Protein change: p.Glu178Ter; replaces glutamic acid 178 with a stop codon.
Molecular consequence: nonsense.
Genome position (GRCh38, 1-based): chr3:120,646,990, C>A on the plus strand (G>T on the coding strand, the complement: HGD is on the minus strand). VCF-style: chr3-120646990-C-A. GRCh37 (hg19) VCF-style: chr3-120365837-C-A.
Other names: p.Glu178*; c.532G>T (NM_000187.3); short protein forms E178*.
Identifiers: ClinVar variation 1691425 (VCV001691425.12), dbSNP rs1941184654, ClinGen allele CA354076949.
Genomic context (GRCh38, chr3:120,646,990, plus strand): 5'-AAATTAGTGAGAGGCAGGGAAGAGAAGGGGACACATCACCAACCTGAATGACGCAGATCT[C>A]ATTGGGCTGTACAAGCATCTTGCCAAACTCGGTGTAAATGAGAAGGTTCCCTTTCTGCGG-3'